The following is an entry in ClinVar:

NM_004973.4(JARID2):c.2096A>C (p.Glu699Ala)

Gene: JARID2 (jumonji and AT-rich interaction domain containing 2; plus strand). Cytogenetic location: 6p22.3.
Variant type: single nucleotide variant.
Coding change: c.2096A>C on transcript NM_004973.4 (MANE Select); coding-DNA position 2096, A replaced by C.
Protein change: p.Glu699Ala; replaces glutamic acid 699 with alanine.
Molecular consequence: missense variant.
Genome position (GRCh38, 1-based): chr6:15,501,057, A>C. VCF-style: chr6-15501057-A-C. GRCh37 (hg19) VCF-style: chr6-15501288-A-C.
Other names: c.1580A>C, p.Glu527Ala (NM_001267040.1); short protein forms E527A, E699A.
Identifiers: ClinVar variation 3353984 (VCV003353984.1).

ClinVar aggregate classification (germline): Uncertain significance (0 of 4 stars; one submission).

Conditions:
JARID2-related disorder. Also called: JARID2-related condition.

gnomAD v4.1: 2 of 1,614,134 alleles (0.00012%); highest among the groups gnomAD compares: Non-Finnish European, 0.00017%; no homozygotes.

Submission:

PreventionGenetics, part of Exact Sciences
Classification: Uncertain significance for JARID2-related condition. Last evaluated: 2024-09-27. Review status: no assertion criteria provided. Collection method: clinical testing. Allele origin: germline.
Comment: The JARID2 c.2096A>C variant is predicted to result in the amino acid substitution p.Glu699Ala. To our knowledge, this variant has not been reported in the literature. This variant is reported in 0.00088% of alleles in individuals of European (Non-Finnish) descent in gnomAD. At this time, the clinical significance of this variant is uncertain due to the absence of conclusive functional and genetic evidence.